The following is an entry in ClinVar:

NC_000020.10:g.(?_62616240)_(62616398_?)dup

Gene: PRPF6 (pre-mRNA processing factor 6; plus strand). Cytogenetic location: 20q13.33.
Variant type: Duplication.
Identifiers: ClinVar variation 1401062 (VCV001401062.4).

ClinVar aggregate classification (germline): Uncertain significance (1 of 4 stars; one submission).

Submission:

Labcorp Genetics (formerly Invitae), Labcorp
Classification: Uncertain significance. Last evaluated: 2021-02-19. Review status: criteria provided, single submitter. Criteria: Invitae Variant Classification Sherloc (09022015). Collection method: clinical testing. Allele origin: germline.
Comment: In summary, the available evidence is currently insufficient to determine the role of this variant in disease. Therefore, it has been classified as a Variant of Uncertain Significance. This variant has not been reported in the literature in individuals with PRPF6-related conditions. This variant results in a copy number gain of the genomic region encompassing exon(s) 3 of the PRPF6 gene. While the exact position of this variant cannot be determined from the data, sub-genic copy number gains are generally in tandem (PMID: 25640679). This variant is predicted to be out-of-frame, and may result in an absent or disrupted protein product. However, the current clinical and genetic evidence is not sufficient to establish whether loss-of-function variants in PRPF6 cause disease.

Literature cited by the submitters: PubMed 25640679.